The following is an entry in ClinVar:

NM_024301.5(FKRP):c.809G>A (p.Arg270His)

Gene: FKRP (fukutin related protein; plus strand). Cytogenetic location: 19q13.32.
Variant type: single nucleotide variant.
Coding change: c.809G>A on transcript NM_024301.5 (MANE Select); coding-DNA position 809, G replaced by A.
Protein change: p.Arg270His; replaces arginine 270 with histidine.
Molecular consequence: missense variant.
Genome position (GRCh38, 1-based): chr19:46,756,259, G>A. VCF-style: chr19-46756259-G-A. GRCh37 (hg19) VCF-style: chr19-47259516-G-A.
Other names: c.809G>A (NM_024301.4); c.809G>A, p.Arg270His (NM_001039885.3); short protein forms R270H.
Identifiers: ClinVar variation 1010588 (VCV001010588.6), dbSNP rs1025118379, ClinGen allele CA309099491.

ClinVar aggregate classification (germline): Uncertain significance. Review status: criteria provided, multiple submitters, no conflicts (2 of 4 stars). 4 submissions from 4 submitters: Uncertain significance (3). 1 of the submissions does not count toward it. Last evaluated 2025-04-29.

Conditions:
Walker-Warburg congenital muscular dystrophy. Also called: Muscular dystrophy-dystroglycanopathy, type A; Walker-Warburg syndrome. Identifiers: Orphanet 899, MedGen C0265221, MONDO:0000171.
Autosomal recessive limb-girdle muscular dystrophy type 2I. Also called: MUSCULAR DYSTROPHY-DYSTROGLYCANOPATHY (LIMB-GIRDLE), TYPE C, 5; MUSCULAR DYSTROPHY-DYSTROGLYCANOPATHY, LIMB-GIRDLE, FRKP-RELATED; MUSCULAR DYSTROPHY, LIMB-GIRDLE, TYPE 2I. Identifiers: Orphanet 34515, MedGen C1846672, MONDO:0011787, OMIM 607155.

Allele frequency attached by ClinVar (database versions not stated): gnomAD exomes below 0.00001 and 0.00001; gnomAD 0.00001; TOPMed 0.00001.
gnomAD v4.1: 4 of 1,489,258 alleles (0.00027%); highest among the groups gnomAD compares: East Asian, 0.0076%; no homozygotes.

Submissions (4):

GeneDx
Classification: Uncertain significance. Last evaluated: 2025-04-29. Review status: criteria provided, single submitter. Criteria: GeneDx Variant Classification Process June 2021. Collection method: clinical testing. Allele origin: germline. Affected: yes.
Comment: Not observed at significant frequency in large population cohorts (gnomAD); Missense variants in this gene are a common cause of disease and they are underrepresented in the general population; In silico analysis indicates that this missense variant does not alter protein structure/function; Has not been previously published as pathogenic or benign to our knowledge; This variant is associated with the following publications: (PMID: 27439679)

Women's Health and Genetics/Laboratory Corporation of America, LabCorp
Classification: Uncertain significance. Last evaluated: 2025-02-03. Review status: criteria provided, single submitter. Criteria: LabCorp Variant Classification Summary - May 2015. Collection method: clinical testing. Allele origin: germline.
Comment: Variant summary: FKRP c.809G>A (p.Arg270His) results in a non-conservative amino acid change located in the Fukutin-related protein, stem domain (IPR055105) of the encoded protein sequence. Three of five in-silico tools predict a damaging effect of the variant on protein function. The variant allele was found at a frequency of 1e-05 in 98410 control chromosomes (gnomAD). The available data on variant occurrences in the general population are insufficient to allow any conclusion about variant significance. To our knowledge, no occurrence of c.809G>A in individuals affected with Limb-Girdle Muscular Dystrophy, Autosomal Recessive and no experimental evidence demonstrating its impact on protein function have been reported. ClinVar contains an entry for this variant (Variation ID: 1010588). Based on the evidence outlined above, the variant was classified as uncertain significance.

Labcorp Genetics (formerly Invitae), Labcorp
Classification: Uncertain significance for Walker-Warburg congenital muscular dystrophy. Last evaluated: 2024-11-04. Review status: criteria provided, single submitter. Criteria: Invitae Variant Classification Sherloc (09022015). Collection method: clinical testing. Allele origin: germline.
Comment: This sequence change replaces arginine, which is basic and polar, with histidine, which is basic and polar, at codon 270 of the FKRP protein (p.Arg270His). The frequency data for this variant in the population databases is considered unreliable, as metrics indicate poor data quality at this position in the gnomAD database. This variant has not been reported in the literature in individuals affected with FKRP-related conditions. ClinVar contains an entry for this variant (Variation ID: 1010588). An algorithm developed to predict the effect of missense changes on protein structure and function outputs the following: PolyPhen-2: "Benign". The histidine amino acid residue is found in multiple mammalian species, which suggests that this missense change does not adversely affect protein function. In summary, the available evidence is currently insufficient to determine the role of this variant in disease. Therefore, it has been classified as a Variant of Uncertain Significance.

Natera, Inc.
Classification: Uncertain significance for Limb-girdle muscular dystrophy type 2I. Last evaluated: 2021-03-01. Review status: no assertion criteria provided. Collection method: clinical testing. Allele origin: germline. Not counted in ClinVar's aggregate classification.